The following is an entry in ClinVar:

ClinVar aggregate classification (germline): Uncertain significance (1 of 4 stars; one submission).

Submission:

Labcorp Genetics (formerly Invitae), Labcorp
Classification: Uncertain significance. Last evaluated: 2021-10-17. Review status: criteria provided, single submitter. Criteria: Invitae Variant Classification Sherloc (09022015). Collection method: clinical testing. Allele origin: germline.
Comment: This sequence change replaces serine with leucine at codon 2 of the MYLK3 protein (p.Ser2Leu). The serine residue is weakly conserved and there is a large physicochemical difference between serine and leucine. This variant is not present in population databases (ExAC no frequency). This variant has not been reported in the literature in individuals affected with MYLK3-related conditions. Algorithms developed to predict the effect of missense changes on protein structure and function are either unavailable or do not agree on the potential impact of this missense change (SIFT: "Tolerated"; PolyPhen-2: "Probably Damaging"; Align-GVGD: "Class C0"). In summary, the available evidence is currently insufficient to determine the role of this variant in disease. Therefore, it has been classified as a Variant of Uncertain Significance.

NM_182493.3(MYLK3):c.5C>T (p.Ser2Leu)

Gene: MYLK3 (myosin light chain kinase 3; minus strand). Cytogenetic location: 16q11.2.
Variant type: single nucleotide variant.
Coding change: c.5C>T on transcript NM_182493.3 (MANE Select); coding-DNA position 5, C replaced by T.
Protein change: p.Ser2Leu; replaces serine 2 with leucine.
Molecular consequence: missense variant. On other transcripts: intron variant (1).
Genome position (GRCh38, 1-based): chr16:46,748,189, G>A on the plus strand (C>T on the coding strand, the complement: MYLK3 is on the minus strand). VCF-style: chr16-46748189-G-A. GRCh37 (hg19) VCF-style: chr16-46782101-G-A.
Other names: c.-113-8042C>T (NM_001308301.1); short protein forms S2L.
Identifiers: ClinVar variation 1387691 (VCV001387691.6), dbSNP rs2143017264, ClinGen allele CA395799387.
Genomic context (GRCh38, chr16:46,748,189, plus strand): 5'-AAGCAGGTCTTGCCCAACCCTGGCAGCCCCCCATGCCCCAGACTCTCCTTGGAGGTTCCT[G>A]ACATGCTGGTGCAGGCTTGACAAGGGCAAGAGCGGGGAATGAGGAGAGGCACAGACCCCT-3'
Protein context (NP_872299.2, residues 1-12): M[Ser2Leu]GTSKESLGHG